The following is an entry in ClinVar:

NM_001267550.2(TTN):c.7383G>A (p.Lys2461=)

Genes: TTN (titin; minus strand), LOC126806433 (BRD4-independent group 4 enhancer GRCh37_chr2:179638309-179639508; plus strand). Cytogenetic location: 2q31.2.
Variant type: single nucleotide variant.
Coding change: c.7383G>A on transcript NM_001267550.2 (MANE Select); coding-DNA position 7383, G replaced by A.
Protein change: p.Lys2461=; no amino-acid change (lysine 2461 retained).
Molecular consequence: synonymous variant.
Genome position (GRCh38, 1-based): chr2:178,773,673, C>T on the plus strand (G>A on the coding strand, the complement: TTN is on the minus strand). VCF-style: chr2-178773673-C-T. GRCh37 (hg19) VCF-style: chr2-179638400-C-T.
Other names: c.7383G>A, p.Lys2461= (NM_001256850.1, NM_133378.4, NM_133379.5); c.7245G>A, p.Lys2415= (NM_003319.4, NM_133432.3, NM_133437.4).
Identifiers: ClinVar variation 755260 (VCV000755260.20), dbSNP rs752865519, ClinGen allele CA2004819.

ClinVar aggregate classification (germline): Likely benign. Review status: criteria provided, multiple submitters, no conflicts (2 of 4 stars). 5 submissions from 5 submitters: Likely benign (3). 2 of the submissions do not count toward it. Last evaluated 2025-10-01.

Conditions:
Dilated cardiomyopathy 1G (CMD1G). Identifiers: Orphanet 154, MedGen C1858763, MONDO:0011400, OMIM 604145.
Autosomal recessive limb-girdle muscular dystrophy type 2J (LGMDR10). Also called: MUSCULAR DYSTROPHY, LIMB-GIRDLE, AUTOSOMAL RECESSIVE 10; Limb-girdle muscular dystrophy, type 2J. Identifiers: Orphanet 140922, MedGen C1837342, MONDO:0012127, OMIM 608807.
Cardiovascular phenotype. Identifiers: MedGen CN230736.

Allele frequency attached by ClinVar (database versions not stated): ExAC 0.00001; gnomAD exomes 0.00001 and 0.00002; TOPMed 0.00002.

Submissions (5):

CeGaT Center for Human Genetics Tuebingen
Classification: Likely benign. Last evaluated: 2025-10-01. Review status: criteria provided, single submitter. Criteria: CeGaT Center For Human Genetics Tuebingen Variant Classification Criteria Version 2. Collection method: clinical testing. Allele origin: germline. Affected: yes. Observed: 1 variant allele.
Comment: TTN: BP4, BP7

Labcorp Genetics (formerly Invitae), Labcorp
Classification: Likely benign for Dilated cardiomyopathy 1G; Autosomal recessive limb-girdle muscular dystrophy type 2J. Last evaluated: 2025-02-26. Review status: criteria provided, single submitter. Criteria: Invitae Variant Classification Sherloc (09022015). Collection method: clinical testing. Allele origin: germline.

Ambry Genetics
Classification: Likely benign for Cardiovascular phenotype. Last evaluated: 2023-06-22. Review status: criteria provided, single submitter. Criteria: Ambry Variant Classification Scheme 2023. Collection method: clinical testing. Allele origin: germline.

Clinical Genetics, Academic Medical Center
Classification: Benign. Review status: no assertion criteria provided. Collection method: clinical testing. Allele origin: germline. Affected: yes. Study: VKGL Data-share Consensus. Not counted in ClinVar's aggregate classification.

Diagnostic Laboratory, Department of Genetics, University Medical Center Groningen
Classification: Likely benign. Review status: no assertion criteria provided. Collection method: clinical testing. Allele origin: germline. Affected: yes. Study: VKGL Data-share Consensus. Not counted in ClinVar's aggregate classification.